The following is an entry in ClinVar:

NM_004304.5(ALK):c.2303A>T (p.Asp768Val)

Gene: ALK (ALK receptor tyrosine kinase; minus strand). Cytogenetic location: 2p23.2.
Variant type: single nucleotide variant.
Coding change: c.2303A>T on transcript NM_004304.5 (MANE Select); coding-DNA position 2303, A replaced by T.
Protein change: p.Asp768Val; replaces aspartic acid 768 with valine.
Molecular consequence: missense variant.
Genome position (GRCh38, 1-based): chr2:29,239,732, T>A on the plus strand (A>T on the coding strand, the complement: ALK is on the minus strand). VCF-style: chr2-29239732-T-A. GRCh37 (hg19) VCF-style: chr2-29462598-T-A.
Other names: short protein forms D768V.
Identifiers: ClinVar variation 2840341 (VCV002840341.3), dbSNP rs2148188725, ClinGen allele CA346474395.

ClinVar aggregate classification (germline): Uncertain significance (1 of 4 stars; one submission).

Conditions:
Neuroblastoma, susceptibility to, 3. Also called: ALK-Related Neuroblastic Tumor Susceptibility. Identifiers: Orphanet 635, MedGen C2751681, MONDO:0013083, OMIM 613014.

Submission:

Labcorp Genetics (formerly Invitae), Labcorp
Classification: Uncertain significance for Neuroblastoma, susceptibility to, 3. Last evaluated: 2024-03-04. Review status: criteria provided, single submitter. Criteria: Invitae Variant Classification Sherloc (09022015). Collection method: clinical testing. Allele origin: germline.
Comment: This sequence change replaces aspartic acid, which is acidic and polar, with valine, which is neutral and non-polar, at codon 768 of the ALK protein (p.Asp768Val). This variant is not present in population databases (gnomAD no frequency). This variant has not been reported in the literature in individuals affected with ALK-related conditions. An algorithm developed to predict the effect of missense changes on protein structure and function (PolyPhen-2) suggests that this variant is likely to be disruptive. In summary, the available evidence is currently insufficient to determine the role of this variant in disease. Therefore, it has been classified as a Variant of Uncertain Significance.